The following is an entry in ClinVar:

NM_001852.4(COL9A2):c.1564G>C (p.Asp522His)

Gene: COL9A2 (collagen type IX alpha 2 chain; minus strand). Cytogenetic location: 1p34.2.
Variant type: single nucleotide variant.
Coding change: c.1564G>C on transcript NM_001852.4 (MANE Select); coding-DNA position 1564, G replaced by C.
Protein change: p.Asp522His; replaces aspartic acid 522 with histidine.
Molecular consequence: missense variant.
Genome position (GRCh38, 1-based): chr1:40,303,170, C>G on the plus strand (G>C on the coding strand, the complement: COL9A2 is on the minus strand). VCF-style: chr1-40303170-C-G. GRCh37 (hg19) VCF-style: chr1-40768842-C-G.
Other names: short protein forms D522H.
Identifiers: ClinVar variation 196170 (VCV000196170.10), dbSNP rs150020975, ClinGen allele CA243038.

ClinVar aggregate classification (germline): Uncertain significance. Review status: criteria provided, multiple submitters, no conflicts (2 of 4 stars). 2 submissions from 2 submitters: Uncertain significance (2). Last evaluated 2022-04-26.

Allele frequency attached by ClinVar (database versions not stated): TOPMed 0.00002.
gnomAD v4.1: 2 of 1,612,054 alleles (0.00012%); highest among the groups gnomAD compares: Admixed American, 0.0033%; no homozygotes.

Submissions (2):

Labcorp Genetics (formerly Invitae), Labcorp
Classification: Uncertain significance. Last evaluated: 2022-04-26. Review status: criteria provided, single submitter. Criteria: Invitae Variant Classification Sherloc (09022015). Collection method: clinical testing. Allele origin: germline.
Comment: This variant is present in population databases (no rsID available, gnomAD 0.003%). This sequence change replaces aspartic acid, which is acidic and polar, with histidine, which is basic and polar, at codon 522 of the COL9A2 protein (p.Asp522His). This variant has not been reported in the literature in individuals affected with COL9A2-related conditions. ClinVar contains an entry for this variant (Variation ID: 196170). Advanced modeling of protein sequence and biophysical properties (such as structural, functional, and spatial information, amino acid conservation, physicochemical variation, residue mobility, and thermodynamic stability) performed at Invitae indicates that this missense variant is not expected to disrupt COL9A2 protein function. In summary, the available evidence is currently insufficient to determine the role of this variant in disease. Therefore, it has been classified as a Variant of Uncertain Significance.

Eurofins Ntd Llc (ga)
Classification: Uncertain significance. Last evaluated: 2015-05-22. Review status: criteria provided, single submitter. Criteria: EGL Classification Definitions 2015. Collection method: clinical testing. Allele origin: germline. Observed: 2 variant alleles, 2 heterozygotes.